The following is an entry in ClinVar:

NM_001040716.2(PC):c.110T>C (p.Ile37Thr)

Gene: PC (pyruvate carboxylase; minus strand). Cytogenetic location: 11q13.2.
Variant type: single nucleotide variant.
Coding change: c.110T>C on transcript NM_001040716.2 (MANE Select); coding-DNA position 110, T replaced by C.
Protein change: p.Ile37Thr; replaces isoleucine 37 with threonine.
Molecular consequence: missense variant.
Genome position (GRCh38, 1-based): chr11:66,872,050, A>G on the plus strand (T>C on the coding strand, the complement: PC is on the minus strand). VCF-style: chr11-66872050-A-G. GRCh37 (hg19) VCF-style: chr11-66639521-A-G.
Other names: c.110T>C, p.Ile37Thr (NM_000920.4, NM_022172.3); short protein forms I37T.
Identifiers: ClinVar variation 2127495 (VCV002127495.4), dbSNP rs1218544806, ClinGen allele CA381503444.

ClinVar aggregate classification (germline): Uncertain significance (1 of 4 stars; one submission).

Conditions:
Pyruvate carboxylase deficiency. Also called: ATAXIA WITH LACTIC ACIDOSIS II; Pyruvate Carboxylase Deficiency Disease; LEIGH NECROTIZING ENCEPHALOPATHY DUE TO PYRUVATE CARBOXYLASE DEFICIENCY; LEIGH SYNDROME DUE TO PYRUVATE CARBOXYLASE DEFICIENCY; PC DEFICIENCY. Identifiers: Orphanet 3008, MedGen C0034341, MONDO:0009949, OMIM 266150.

Submission:

Labcorp Genetics (formerly Invitae), Labcorp
Classification: Uncertain significance for Pyruvate carboxylase deficiency. Last evaluated: 2024-05-23. Review status: criteria provided, single submitter. Criteria: Invitae Variant Classification Sherloc (09022015). Collection method: clinical testing. Allele origin: germline.
Comment: This sequence change replaces isoleucine, which is neutral and non-polar, with threonine, which is neutral and polar, at codon 37 of the PC protein (p.Ile37Thr). This variant is not present in population databases (gnomAD no frequency). This variant has not been reported in the literature in individuals affected with PC-related conditions. ClinVar contains an entry for this variant (Variation ID: 2127495). Advanced modeling of protein sequence and biophysical properties (such as structural, functional, and spatial information, amino acid conservation, physicochemical variation, residue mobility, and thermodynamic stability) has been performed at Invitae for this missense variant, however the output from this modeling did not meet the statistical confidence thresholds required to predict the impact of this variant on PC protein function. In summary, the available evidence is currently insufficient to determine the role of this variant in disease. Therefore, it has been classified as a Variant of Uncertain Significance.